The following is an entry in ClinVar:

NM_000282.4(PCCA):c.1845+10584_1845+10585delinsTC

Gene: PCCA (propionyl-CoA carboxylase subunit alpha; plus strand). Cytogenetic location: 13q32.3.
Variant type: Indel.
Coding change: c.1845+10584_1845+10585delinsTC on transcript NM_000282.4 (MANE Select); bases 10584 to 10585 of the intron after coding-DNA position 1845, AT replaced by TC.
Molecular consequence: intron variant.
Genome position (GRCh38, 1-based): chr13:100,436,315-100,436,316, AT replaced by TC. VCF-style: chr13-100436315-AT-TC. GRCh37 (hg19) VCF-style: chr13-101088569-AT-TC.
Other names: c.1845+10584_1845+10585delinsTC (NM_001178004.2, NM_001352605.2, NM_001352609.2); c.1701+10584_1701+10585delinsTC (NM_001352606.2); c.900+10584_900+10585delinsTC (NM_001352610.2, NM_001352611.2); c.756+10584_756+10585delinsTC (NM_001352612.2); c.1767+10584_1767+10585delinsTC (NM_001127692.3, NM_001352607.2); c.1623+10584_1623+10585delinsTC (NM_001352608.2).
Identifiers: ClinVar variation 2062190 (VCV002062190.1), dbSNP rs2548723223, ClinGen allele CA2580086966.

ClinVar aggregate classification (germline): Uncertain significance (1 of 4 stars; one submission).

Conditions:
Propionic acidemia (PROP). Also called: GLYCINEMIA, KETOTIC; HYPERGLYCINEMIA WITH KETOACIDOSIS AND LEUKOPENIA; KETOTIC HYPERGLYCINEMIA. Identifiers: Orphanet 35, MedGen C0268579, MONDO:0011628, OMIM 606054, HP:0003571.

Submission:

Labcorp Genetics (formerly Invitae), Labcorp
Classification: Uncertain significance for Propionic acidemia. Last evaluated: 2022-08-19. Review status: criteria provided, single submitter. Criteria: Invitae Variant Classification Sherloc (09022015). Collection method: clinical testing. Allele origin: germline.
Comment: This sequence change falls in intron 20 of the PCCA gene. It does not directly change the encoded amino acid sequence of the PCCA protein. Information on the frequency of this variant in the gnomAD database is not available, as this variant may be reported differently in the database. This variant has not been reported in the literature in individuals affected with PCCA-related conditions. Experimental studies and prediction algorithms are not available or were not evaluated, and the effect of this variant on mRNA splicing is currently unknown. In summary, the available evidence is currently insufficient to determine the role of this variant in disease. Therefore, it has been classified as a Variant of Uncertain Significance.